The following is an entry in ClinVar:

NM_000089.4(COL1A2):c.3303A>G (p.Pro1101=)

Gene: COL1A2 (collagen type I alpha 2 chain; plus strand). Cytogenetic location: 7q21.3.
Variant type: single nucleotide variant.
Coding change: c.3303A>G on transcript NM_000089.4 (MANE Select); coding-DNA position 3303, A replaced by G.
Protein change: p.Pro1101=; no amino-acid change (proline 1101 retained).
Molecular consequence: synonymous variant.
Genome position (GRCh38, 1-based): chr7:94,427,662, A>G. VCF-style: chr7-94427662-A-G. GRCh37 (hg19) VCF-style: chr7-94056974-A-G.
Identifiers: ClinVar variation 392719 (VCV000392719.6), dbSNP rs889862814, ClinGen allele CA16605936.

ClinVar aggregate classification (germline): Likely benign. Review status: criteria provided, multiple submitters, no conflicts (2 of 4 stars). 2 submissions from 2 submitters: Likely benign (2). Last evaluated 2026-01-05.

Conditions:
Osteogenesis imperfecta type I (OI1). Also called: Lobstein disease; OI, TYPE I; OSTEOGENESIS IMPERFECTA TARDA; OSTEOGENESIS IMPERFECTA WITH BLUE SCLERAE; Classic Non-deforming Osteogenesis Imperfecta with Blue Sclerae; Osteogenesis imperfecta type 1. Identifiers: Orphanet 216796, Orphanet 666, MedGen C0023931, MONDO:0008146, OMIM 166200. Disease mechanism: loss of function.
Ehlers-Danlos syndrome, classic type, 1 (EDSCL1). Also called: EHLERS-DANLOS SYNDROME, GRAVIS TYPE; EHLERS-DANLOS SYNDROME, SEVERE CLASSIC TYPE; Ehlers-Danlos Syndrome, Classic Type, COL5A1-Related; EDS I; Ehlers-Danlos syndrome, type 1. Identifiers: MedGen C0268335, MONDO:0019567, OMIM 130000.

Allele frequency attached by ClinVar (database versions not stated): gnomAD 0.00001; gnomAD exomes 0.00001 and below 0.00001; TOPMed 0.00002.
gnomAD v4.1: 4 of 1,614,008 alleles (0.00025%); highest among the groups gnomAD compares: Admixed American, 0.005%; no homozygotes.

Submissions (2):

Labcorp Genetics (formerly Invitae), Labcorp
Classification: Likely benign for Osteogenesis imperfecta type I; Ehlers-Danlos syndrome, classic type, 1. Last evaluated: 2026-01-05. Review status: criteria provided, single submitter. Criteria: Invitae Variant Classification Sherloc (09022015). Collection method: clinical testing. Allele origin: germline.

GeneDx
Classification: Likely benign. Last evaluated: 2017-01-09. Review status: criteria provided, single submitter. Criteria: GeneDx Variant Classification (06012015). Collection method: clinical testing. Allele origin: germline. Affected: yes.
Comment: This variant is considered likely benign or benign based on one or more of the following criteria: it is a conservative change, it occurs at a poorly conserved position in the protein, it is predicted to be benign by multiple in silico algorithms, and/or has population frequency not consistent with disease.